The following is an entry in ClinVar:

NM_001292063.2(OTOG):c.457_466del (p.Gly153fs)

Gene: OTOG (otogelin; plus strand). Cytogenetic location: 11p15.1.
Variant type: Deletion.
Coding change: c.457_466del on transcript NM_001292063.2 (MANE Select); coding-DNA positions 457 to 466, 10 bases deleted (GGGCTCTACT; older notation c.457_466delGGGCTCTACT).
Protein change: p.Gly153fs; shifts the reading frame from glycine 153.
Molecular consequence: frameshift variant.
Genome position (GRCh38, 1-based): chr11:17,553,436-17,553,445, GGGCTCTACT deleted; deleting any 10 consecutive bases within chr11:17,553,435-17,553,445 gives the same sequence; the c. name uses the placement nearest the transcript's 3' end. VCF-style (leftmost placement, unchanged base first): chr11-17553434-ATGGGCTCTAC-A. GRCh37 (hg19) VCF-style: chr11-17574981-ATGGGCTCTAC-A.
Other names: c.493_502del, p.Gly165fs (NM_001277269.2); short protein forms G153fs, G165fs.
Identifiers: ClinVar variation 3075847 (VCV003075847.1), dbSNP rs2497368023, ClinGen allele CA2790596449.

ClinVar aggregate classification (germline): Likely pathogenic (1 of 4 stars; one submission).

Conditions:
Rare genetic deafness. Identifiers: Orphanet 96210, MedGen C5680250.

Submission:

Laboratory for Molecular Medicine, Mass General Brigham Personalized Medicine
Classification: Likely pathogenic for Rare genetic deafness. Last evaluated: 2022-06-23. Review status: criteria provided, single submitter. Criteria: ACMG Guidelines, 2015. Collection method: clinical testing. Allele origin: germline.
Comment: The p.Gly165ThrfsX64 variant in OTOG has not been previously reported in individuals with nonsyndromic hearing loss and was absent from large population studies. This variant is predicted to cause a frameshift, which alters the protein’s amino acid sequence beginning at position 165 and leads to a premature termination codon 64 amino acids downstream. Loss of function of the OTOG gene is an established disease mechanism in autosomal recessive nonsyndromic hearing loss. In summary, although additional studies are required to fully establish its clinical significance, this variant meets criteria to be classified as likely pathogenic for autosomal recessive nonsyndromic hearing loss. ACMG/AMP Criteria applied: PVS1, PM2_Supporting.